The following is an entry in ClinVar:

NM_000836.4(GRIN2D):c.2914G>A (p.Gly972Ser)

Gene: GRIN2D (glutamate ionotropic receptor NMDA type subunit 2D; plus strand). Cytogenetic location: 19q13.33.
Variant type: single nucleotide variant.
Coding change: c.2914G>A on transcript NM_000836.4 (MANE Select); coding-DNA position 2914, G replaced by A.
Protein change: p.Gly972Ser; replaces glycine 972 with serine.
Molecular consequence: missense variant.
Genome position (GRCh38, 1-based): chr19:48,442,840, G>A. VCF-style: chr19-48442840-G-A. GRCh37 (hg19) VCF-style: chr19-48946097-G-A.
Other names: short protein forms G972S.
Identifiers: ClinVar variation 2183635 (VCV002183635.4), dbSNP rs1162089236, ClinGen allele CA406674241.

ClinVar aggregate classification (germline): Uncertain significance (1 of 4 stars; one submission).

gnomAD v4.1: 6 of 1,078,412 alleles (0.00056%); highest among the groups gnomAD compares: African/African-American, 0.0051%; 1 homozygote.

Submission:

Labcorp Genetics (formerly Invitae), Labcorp
Classification: Uncertain significance. Last evaluated: 2025-04-21. Review status: criteria provided, single submitter. Criteria: Invitae Variant Classification Sherloc (09022015). Collection method: clinical testing. Allele origin: germline.
Comment: This sequence change replaces glycine, which is neutral and non-polar, with serine, which is neutral and polar, at codon 972 of the GRIN2D protein (p.Gly972Ser). This variant is present in population databases (no rsID available, gnomAD 0.01%). This variant has not been reported in the literature in individuals affected with GRIN2D-related conditions. ClinVar contains an entry for this variant (Variation ID: 2183635). Invitae Evidence Modeling of protein sequence and biophysical properties (such as structural, functional, and spatial information, amino acid conservation, physicochemical variation, residue mobility, and thermodynamic stability) indicates that this missense variant is not expected to disrupt GRIN2D protein function with a negative predictive value of 95%. In summary, the available evidence is currently insufficient to determine the role of this variant in disease. Therefore, it has been classified as a Variant of Uncertain Significance.